The following is an entry in ClinVar:

ClinVar aggregate classification (germline): Uncertain significance (1 of 4 stars; one submission).

Conditions:
Nemaline myopathy 2 (NEM2). Also called: Nemaline myopathy 2, autosomal recessive. Identifiers: MedGen C1850569, MONDO:0009725, OMIM 256030.

Submission:

Labcorp Genetics (formerly Invitae), Labcorp
Classification: Uncertain significance for Nemaline myopathy 2. Last evaluated: 2024-12-16. Review status: criteria provided, single submitter. Criteria: Invitae Variant Classification Sherloc (09022015). Collection method: clinical testing. Allele origin: germline.
Comment: This sequence change replaces leucine, which is neutral and non-polar, with phenylalanine, which is neutral and non-polar, at codon 2649 of the NEB protein (p.Leu2649Phe). This variant is not present in population databases (gnomAD no frequency). This variant has not been reported in the literature in individuals affected with NEB-related conditions. Experimental studies and prediction algorithms are not available or were not evaluated, and the functional significance of this variant is currently unknown. In summary, the available evidence is currently insufficient to determine the role of this variant in disease. Therefore, it has been classified as a Variant of Uncertain Significance.

NM_001164508.2(NEB):c.7945C>T (p.Leu2649Phe)

Gene: NEB (nebulin; minus strand). Cytogenetic location: 2q23.3.
Variant type: single nucleotide variant.
Coding change: c.7945C>T on transcript NM_001164508.2 (MANE Select); coding-DNA position 7945, C replaced by T.
Protein change: p.Leu2649Phe; replaces leucine 2649 with phenylalanine.
Molecular consequence: missense variant.
Genome position (GRCh38, 1-based): chr2:151,643,829, G>A on the plus strand (C>T on the coding strand, the complement: NEB is on the minus strand). VCF-style: chr2-151643829-G-A. GRCh37 (hg19) VCF-style: chr2-152500343-G-A.
Other names: c.7945C>T, p.Leu2649Phe (NM_001164507.2, NM_001271208.2, NM_004543.5); short protein forms L2649F.
Identifiers: ClinVar variation 3690128 (VCV003690128.2).